The following is an entry in ClinVar:

NM_001005242.3(PKP2):c.2030C>T (p.Ala677Val)

Gene: PKP2 (plakophilin 2; minus strand). Cytogenetic location: 12p11.21.
Variant type: single nucleotide variant.
Coding change: c.2030C>T on transcript NM_001005242.3 (MANE Select); coding-DNA position 2030, C replaced by T.
Protein change: p.Ala677Val; replaces alanine 677 with valine.
Molecular consequence: missense variant.
Genome position (GRCh38, 1-based): chr12:32,802,540, G>A on the plus strand (C>T on the coding strand, the complement: PKP2 is on the minus strand). VCF-style: chr12-32802540-G-A. GRCh37 (hg19) VCF-style: chr12-32955474-G-A.
Other names: c.2162C>T, p.Ala721Val (NM_004572.4); short protein forms A677V, A721V.
Identifiers: ClinVar variation 1171565 (VCV001171565.11), dbSNP rs1359431679, ClinGen allele CA384360055.

ClinVar aggregate classification (germline): Uncertain significance. Review status: criteria provided, multiple submitters, no conflicts (2 of 4 stars). 4 submissions from 4 submitters: Uncertain significance (4). Last evaluated 2024-10-24.

Conditions:
Cardiovascular phenotype. Identifiers: MedGen CN230736.
Arrhythmogenic right ventricular cardiomyopathy (ARVD). Also called: Cardiomyopathy, ARVC; Arrhythmogenic right ventricular dysplasia; Arrhythmogenic cardiomyopathy; Arrhythmogenic Right Ventricular Cardiomyopathy (ARVC). Identifiers: Orphanet 247, MedGen C0349788, MeSH D019571, MONDO:0016587. Disease mechanism: loss of function. Inheritance: Various modes of inheritance.
Cardiomyopathy (CMYO). Also called: Cardiomyopathies. Identifiers: Orphanet 167848, MedGen C0878544, MONDO:0004994, HP:0001638. Inheritance: Various modes of inheritance.
Arrhythmogenic right ventricular dysplasia 9 (ARVD9). Also called: Arrhythmogenic Right Ventricular Dysplasia/Cardiomyopathy 9; ARRHYTHMOGENIC RIGHT VENTRICULAR DYSPLASIA, FAMILIAL, 9. Identifiers: MedGen C1836906, MONDO:0012180, OMIM 609040.

Allele frequency attached by ClinVar (database versions not stated): TOPMed below 0.00001; gnomAD exomes 0.00001.
gnomAD v4.1: 7 of 1,614,070 alleles (0.00043%); highest among the groups gnomAD compares: South Asian, 0.0066%; no homozygotes.

Submissions (4):

Labcorp Genetics (formerly Invitae), Labcorp
Classification: Uncertain significance for Arrhythmogenic right ventricular dysplasia 9. Last evaluated: 2024-10-24. Review status: criteria provided, single submitter. Criteria: Invitae Variant Classification Sherloc (09022015). Collection method: clinical testing. Allele origin: germline.
Comment: This sequence change replaces alanine, which is neutral and non-polar, with valine, which is neutral and non-polar, at codon 721 of the PKP2 protein (p.Ala721Val). This variant is present in population databases (no rsID available, gnomAD 0.007%). This variant has not been reported in the literature in individuals affected with PKP2-related conditions. ClinVar contains an entry for this variant (Variation ID: 1171565). An algorithm developed to predict the effect of missense changes on protein structure and function (PolyPhen-2) suggests that this variant is likely to be disruptive. In summary, the available evidence is currently insufficient to determine the role of this variant in disease. Therefore, it has been classified as a Variant of Uncertain Significance.

All of Us Research Program, National Institutes of Health
Classification: Uncertain significance for Arrhythmogenic right ventricular cardiomyopathy. Last evaluated: 2024-07-29. Review status: criteria provided, single submitter. Criteria: ACMG Guidelines, 2015. Collection method: clinical testing. Allele origin: germline. Inheritance: Autosomal dominant inheritance. Observed: 2 variant alleles, 2 heterozygotes.
Comment: This missense variant replaces alanine with valine at codon 721 of the PKP2 protein. Computational prediction suggests that this variant may not impact protein structure and function (internally defined REVEL score threshold <= 0.5, PMID: 27666373). To our knowledge, functional studies have not been reported for this variant. This variant has not been reported in individuals affected with cardiovascular disorders in the literature. This variant has been identified in 2/251304 chromosomes in the general population by the Genome Aggregation Database (gnomAD). The available evidence is insufficient to determine the role of this variant in disease conclusively. Therefore, this variant is classified as a Variant of Uncertain Significance.

This study involves interpretation of variants in research participants for the purpose of population health screening. Participant phenotype was not available at the time of variant classification. Additional details can be found in publication PMID: 35346344, PMCID: PMC8962531

Color Diagnostics, LLC DBA Color Health
Classification: Uncertain significance for Cardiomyopathy. Last evaluated: 2024-03-06. Review status: criteria provided, single submitter. Criteria: ACMG Guidelines, 2015. Collection method: clinical testing. Allele origin: germline.
Comment: This missense variant replaces alanine with valine at codon 721 of the PKP2 protein. Computational prediction suggests that this variant may not impact protein structure and function (internally defined REVEL score threshold <= 0.5, PMID: 27666373). To our knowledge, functional studies have not been reported for this variant. This variant has not been reported in individuals affected with cardiovascular disorders in the literature. This variant has been identified in 2/251304 chromosomes in the general population by the Genome Aggregation Database (gnomAD). The available evidence is insufficient to determine the role of this variant in disease conclusively. Therefore, this variant is classified as a Variant of Uncertain Significance.

Ambry Genetics
Classification: Uncertain significance for Cardiovascular phenotype. Last evaluated: 2022-02-03. Review status: criteria provided, single submitter. Criteria: Ambry Variant Classification Scheme 2023. Collection method: clinical testing. Allele origin: germline.